The following is an entry in ClinVar:

ClinVar aggregate classification (germline): Benign (1 of 4 stars; one submission).

Submission:

GeneDx
Classification: Benign. Last evaluated: 2018-06-14. Review status: criteria provided, single submitter. Criteria: GeneDx Variant Classification (06012015). Collection method: clinical testing. Allele origin: germline. Affected: yes.
Comment: This variant is considered likely benign or benign based on one or more of the following criteria: it is a conservative change, it occurs at a poorly conserved position in the protein, it is predicted to be benign by multiple in silico algorithms, and/or has population frequency not consistent with disease.

NM_213649.2(SFXN4):c.732+159del

Gene: SFXN4 (sideroflexin 4; minus strand). Cytogenetic location: 10q26.11.
Variant type: Deletion.
Coding change: c.732+159del on transcript NM_213649.2 (MANE Select); 159 bases into the intron after coding-DNA position 732, one base deleted (A; older notation c.732+159delA).
Molecular consequence: intron variant.
Genome position (GRCh38, 1-based): chr10:119,154,903, T deleted on the plus strand (A on the coding strand, the reverse complement: SFXN4 is on the minus strand); the first of 2 consecutive T bases (chr10:119,154,903-119,154,904); deleting either gives the same sequence. VCF-style (leftmost placement, unchanged base first): chr10-119154902-CT-C. GRCh37 (hg19) VCF-style: chr10-120914414-CT-C.
Identifiers: ClinVar variation 683830 (VCV000683830.1), dbSNP rs34654417, ClinGen allele CA214173544.
Genomic context (GRCh38, chr10:119,154,902, plus strand): 5'-GATTATGTACATATATCCCATTGGTTCTGTTTCTCCAGAGAACCCAGACTAATGCCCCAT[CT>C]TATCAGGGGGCAAAATGAGAAATTTCTCTCTCAGCATGCTAAGGAAAGACGGGTAAAGAA-3'